The following is an entry in ClinVar:

NM_000063.6(C2):c.1064G>A (p.Arg355Gln)

Genes: C2 (complement C2; plus strand), C2-AS1 (C2 antisense RNA 1; minus strand). Cytogenetic location: 6p21.33.
Variant type: single nucleotide variant.
Coding change: c.1064G>A on transcript NM_000063.6 (MANE Select); coding-DNA position 1064, G replaced by A.
Protein change: p.Arg355Gln; replaces arginine 355 with glutamine.
Molecular consequence: missense variant.
Genome position (GRCh38, 1-based): chr6:31,937,394, G>A. VCF-style: chr6-31937394-G-A. GRCh37 (hg19) VCF-style: chr6-31905171-G-A.
Other names: c.668G>A, p.Arg223Gln (NM_001145903.3); c.422G>A, p.Arg141Gln (NM_001178063.3); c.326G>A, p.Arg109Gln (NM_001282457.2); c.977G>A, p.Arg326Gln (NM_001282458.2); short protein forms R355Q, R141Q, R223Q, R109Q, R326Q.
Identifiers: ClinVar variation 1909267 (VCV001909267.3), dbSNP rs145799939, ClinGen allele CA3727606.

ClinVar aggregate classification (germline): Conflicting classifications of pathogenicity. Review status: criteria provided, conflicting classifications (1 of 4 stars). 2 submissions from 2 submitters: Uncertain significance (1); Likely benign (1). Last evaluated 2024-11-10.

Allele frequency attached by ClinVar (database versions not stated): gnomAD 0.00003; ESP Exome Variant Server 0.00012.
gnomAD v4.1: 20 of 1,612,488 alleles (0.0012%); highest among the groups gnomAD compares: African/African-American, 0.0027%; no homozygotes.

Submissions (2):

Ambry Genetics
Classification: Likely benign. Last evaluated: 2024-11-10. Review status: criteria provided, single submitter. Criteria: Ambry Variant Classification Scheme 2023. Collection method: clinical testing. Allele origin: germline.

Labcorp Genetics (formerly Invitae), Labcorp
Classification: Uncertain significance. Last evaluated: 2022-07-12. Review status: criteria provided, single submitter. Criteria: Invitae Variant Classification Sherloc (09022015). Collection method: clinical testing. Allele origin: germline.
Comment: This sequence change replaces arginine, which is basic and polar, with glutamine, which is neutral and polar, at codon 355 of the C2 protein (p.Arg355Gln). This variant is present in population databases (rs145799939, gnomAD 0.004%). This variant has not been reported in the literature in individuals affected with C2-related conditions. Algorithms developed to predict the effect of missense changes on protein structure and function output the following: SIFT: "Tolerated"; PolyPhen-2: "Benign"; Align-GVGD: "Class C0". The glutamine amino acid residue is found in multiple mammalian species, which suggests that this missense change does not adversely affect protein function. In summary, the available evidence is currently insufficient to determine the role of this variant in disease. Therefore, it has been classified as a Variant of Uncertain Significance.